The following is an entry in ClinVar:

ClinVar aggregate classification (germline): Uncertain significance. Review status: criteria provided, multiple submitters, no conflicts (2 of 4 stars). 3 submissions from 2 submitters: Uncertain significance (3). Last evaluated 2026-08-06.

Conditions:
Charcot-Marie-Tooth disease recessive intermediate B. Also called: CHARCOT-MARIE-TOOTH NEUROPATHY, RECESSIVE INTERMEDIATE B. Identifiers: Orphanet 254334, MedGen C3150897, MONDO:0013338, OMIM 613641.
Leukoencephalopathy, progressive, infantile-onset, with or without deafness. Identifiers: MedGen C5542996, MONDO:0030893, OMIM 619147.

gnomAD v4.1: 4 of 1,614,080 alleles (0.00025%); highest among the groups gnomAD compares: Non-Finnish European, 0.00025%; no homozygotes.

Submissions (3):

OLLIN Analises Genomicas, OLLIN
Classification: Uncertain significance for Charcot-Marie-Tooth disease recessive intermediate B. Last evaluated: 2026-08-06. Review status: criteria provided, single submitter. Criteria: ACMG Guidelines 2015 PMID 25741868. Collection method: clinical testing. Allele origin: germline. Inheritance: Autosomal recessive inheritance.
Comment: This missense variant, located in exon 9 (of 14), has been reported in ClinVar (accession VCV002970339.4) and in gnomAD with an allele frequency of 0.00025%. However, to our knowledge, it has not been reported in the scientific literature. In silico analysis predicts that this variant has a deleterious effect. According to the currently available evidence, this variant has been classified as uncertain significance (PM2_P, PP3_M).

OLLIN Analises Genomicas, OLLIN
Classification: Uncertain significance for Leukoencephalopathy, progressive, infantile-onset, with or without deafness. Last evaluated: 2026-02-13. Review status: criteria provided, single submitter. Criteria: ACMG Guidelines 2015 PMID 25741868. Collection method: clinical testing. Allele origin: germline. Observed: 1 variant allele.
Comment: PM2_P, PP3_M

Ambry Genetics
Classification: Uncertain significance. Last evaluated: 2024-06-04. Review status: criteria provided, single submitter. Criteria: Ambry Variant Classification Scheme 2023. Collection method: clinical testing. Allele origin: germline.

NM_005548.3(KARS1):c.1173C>G (p.Phe391Leu)

Gene: KARS1 (lysyl-tRNA synthetase 1; minus strand). Cytogenetic location: 16q23.1.
Variant type: single nucleotide variant.
Coding change: c.1173C>G on transcript NM_005548.3 (MANE Select); coding-DNA position 1173, C replaced by G.
Protein change: p.Phe391Leu; replaces phenylalanine 391 with leucine.
Molecular consequence: missense variant.
Genome position (GRCh38, 1-based): chr16:75,631,495, G>C on the plus strand (C>G on the coding strand, the complement: KARS1 is on the minus strand). VCF-style: chr16-75631495-G-C. GRCh37 (hg19) VCF-style: chr16-75665393-G-C.
Other names: c.1257C>G, p.Phe419Leu (NM_001130089.2); c.705C>G, p.Phe235Leu (NM_001378148.1); short protein forms F391L, F235L, F419L.
Identifiers: ClinVar variation 3287367 (VCV003287367.3).